The following is an entry in ClinVar:

NM_012448.4(STAT5B):c.1052C>G (p.Thr351Ser)

Gene: STAT5B (signal transducer and activator of transcription 5B; minus strand). Cytogenetic location: 17q21.2.
Variant type: single nucleotide variant.
Coding change: c.1052C>G on transcript NM_012448.4 (MANE Select); coding-DNA position 1052, C replaced by G.
Protein change: p.Thr351Ser; replaces threonine 351 with serine.
Molecular consequence: missense variant.
Genome position (GRCh38, 1-based): chr17:42,218,268, G>C on the plus strand (C>G on the coding strand, the complement: STAT5B is on the minus strand). VCF-style: chr17-42218268-G-C. GRCh37 (hg19) VCF-style: chr17-40370286-G-C.
Other names: short protein forms T351S.
Identifiers: ClinVar variation 4797252 (VCV004797252.1).

ClinVar aggregate classification (germline): Uncertain significance (1 of 4 stars; one submission).

Conditions:
Growth hormone insensitivity with immune dysregulation 1, autosomal recessive. Also called: GROWTH HORMONE INSENSITIVITY SYNDROME WITH IMMUNE DYSREGULATION 1, AUTOSOMAL RECESSIVE; GROWTH HORMONE INSENSITIVITY DUE TO POSTRECEPTOR DEFECT; LARON SYNDROME DUE TO POSTRECEPTOR DEFECT; Laron syndrome with immunodeficiency. Identifiers: Orphanet 220465, MedGen C5435698, MONDO:0100211, OMIM 245590.

Submission:

Labcorp Genetics (formerly Invitae), Labcorp
Classification: Uncertain significance for Growth hormone insensitivity with immune dysregulation 1, autosomal recessive. Last evaluated: 2025-05-01. Review status: criteria provided, single submitter. Criteria: Invitae Variant Classification Sherloc (09022015). Collection method: clinical testing. Allele origin: germline.
Comment: This sequence change replaces threonine, which is neutral and polar, with serine, which is neutral and polar, at codon 351 of the STAT5B protein (p.Thr351Ser). This variant is not present in population databases (gnomAD no frequency). This variant has not been reported in the literature in individuals affected with STAT5B-related conditions. Invitae Evidence Modeling of protein sequence and biophysical properties (such as structural, functional, and spatial information, amino acid conservation, physicochemical variation, residue mobility, and thermodynamic stability) indicates that this missense variant is not expected to disrupt STAT5B protein function with a negative predictive value of 80%. In summary, the available evidence is currently insufficient to determine the role of this variant in disease. Therefore, it has been classified as a Variant of Uncertain Significance.